The following is an entry in ClinVar:

NM_005236.3(ERCC4):c.1251T>A (p.Cys417Ter)

Gene: ERCC4 (ERCC excision repair 4, endonuclease catalytic subunit; plus strand). Cytogenetic location: 16p13.12.
Variant type: single nucleotide variant.
Coding change: c.1251T>A on transcript NM_005236.3 (MANE Select); coding-DNA position 1251, T replaced by A.
Protein change: p.Cys417Ter; replaces cysteine 417 with a stop codon.
Molecular consequence: nonsense.
Genome position (GRCh38, 1-based): chr16:13,935,183, T>A. VCF-style: chr16-13935183-T-A. GRCh37 (hg19) VCF-style: chr16-14029040-T-A.
Other names: short protein forms C417*.
Identifiers: ClinVar variation 1422307 (VCV001422307.6), dbSNP rs762738968, ClinGen allele CA7910429.

ClinVar aggregate classification (germline): Pathogenic (1 of 4 stars; one submission).

Conditions:
Xeroderma pigmentosum, group F (XPF). Also called: XERODERMA PIGMENTOSUM VI; XP, GROUP F; XERODERMA PIGMENTOSUM, COMPLEMENTATION GROUP F; ERCC4-Related Xeroderma Pigmentosum; XERODERMA PIGMENTOSUM, TYPE F; Xeroderma pigmentosum, type 6. Identifiers: MedGen C0268140, MONDO:0010215, OMIM 278760.
Fanconi anemia complementation group Q. Identifiers: Orphanet 84, MedGen C3808988, MONDO:0014108, OMIM 615272.
Cockayne syndrome. Identifiers: Orphanet 191, MedGen C0009207, MONDO:0016006.

Allele frequency attached by ClinVar (database versions not stated): TOPMed below 0.00001; gnomAD exomes 0.00001; ExAC 0.00002.
gnomAD v4.1: 10 of 1,614,140 alleles (0.00062%); highest among the groups gnomAD compares: Non-Finnish European, 0.00085%; no homozygotes.

Submission:

Labcorp Genetics (formerly Invitae), Labcorp
Classification: Pathogenic for Fanconi anemia complementation group Q; Xeroderma pigmentosum, group F; Cockayne syndrome. Last evaluated: 2021-09-07. Review status: criteria provided, single submitter. Criteria: Invitae Variant Classification Sherloc (09022015). Collection method: clinical testing. Allele origin: germline.
Comment: This sequence change creates a premature translational stop signal (p.Cys417*) in the ERCC4 gene. It is expected to result in an absent or disrupted protein product. Loss-of-function variants in ERCC4 are known to be pathogenic (PMID: 9580660). This variant is present in population databases (rs762738968, ExAC 0.003%). This variant has not been reported in the literature in individuals affected with ERCC4-related conditions. For these reasons, this variant has been classified as Pathogenic.

Literature cited by the submitters: PubMed 9580660.